The following is an entry in ClinVar:

ClinVar aggregate classification (germline): Likely pathogenic (1 of 4 stars; one submission).

Conditions:
Osteogenesis imperfecta, perinatal lethal (OI2). Also called: OI, TYPE II; OSTEOGENESIS IMPERFECTA CONGENITA; VROLIK TYPE OF OSTEOGENESIS IMPERFECTA; OSTEOGENESIS IMPERFECTA, TYPE II; Osteogenesis imperfecta type 2; Osteogenesis imperfecta, dominant perinatal lethal. Identifiers: Orphanet 216804, MedGen C0268358, MONDO:0008147, OMIM 166210.

Submission:

Medical Genetics Laboratory, Cukurova University Balcali Hospital
Classification: Likely pathogenic for Osteogenesis imperfecta, perinatal lethal. Last evaluated: 2026-07-28. Review status: criteria provided, single submitter. Criteria: ACMG Guidelines, 2015. Collection method: clinical testing. Allele origin: de novo. Inheritance: Autosomal dominant inheritance. Affected: yes. Observed: 1 variant allele, 1 heterozygote.
Comment: Glycine substitutions within this domain represent a well-established mutational hotspot, as glycine is obligatory at every third residue of the Gly-X-Y repeat for correct triple helix folding. Per the ACGS Best Practice Guidelines for Variant Classification (2024), COL1A1 and other collagen genes are explicitly cited as an example warranting upgrade of PM1 to Strong (PM1-Strong), The missense variant has a REVEL score of 0.99, indicating strong computational support for a deleterious effect. Per the ClinGen SVI calibration study (Pejaver et al., 2022, Am J Hum Genet 109:2163–2177), REVEL scores exceeding 0.773 correspond to at least Moderate-level evidence (PP3_Moderate). A conservative Moderate-level strength was applied despite the score (0.99) meeting the Strong-level threshold (≥0.932), in line with a cautious interpretation approach. (PP3-Moderate) Combined evidence (1 Strong [PS2], 2 Moderate [PM1_Moderate, PP3_Moderate], 1 Supporting [PM2_Supporting]) meets the ACMG/AMP 2015 combining rule for Likely Pathogenic classification.

Literature cited by the submitters: PubMed 36413997.

NM_000088.4(COL1A1):c.1624G>A (p.Gly542Arg)

Gene: COL1A1 (collagen type I alpha 1 chain; minus strand). Cytogenetic location: 17q21.33.
Variant type: single nucleotide variant.
Coding change: c.1624G>A on transcript NM_000088.4 (MANE Select); coding-DNA position 1624, G replaced by A.
Protein change: p.Gly542Arg; replaces glycine 542 with arginine.
Molecular consequence: missense variant.
Genome position (GRCh38, 1-based): chr17:50,194,174, C>T on the plus strand (G>A on the coding strand, the complement: COL1A1 is on the minus strand). VCF-style: chr17-50194174-C-T. GRCh37 (hg19) VCF-style: chr17-48271535-C-T.
Other names: short protein forms G542R.
Identifiers: ClinVar variation 4884860 (VCV004884860.1).
Genomic context (GRCh38, chr17:50,194,174, plus strand): 5'-GGGGAGTGATACTTACAGGGGGGCCAGTTTTGCCATCAGGACCAGGGCTGCCAGGGCTTC[C>T]AGTCAGACCCTAGGGAGGCAGAGAGGTATGAGTGGGACTTGGGGAGAAGCATGATGGAGG-3'
Protein context (NP_000079.2, residues 532-552): AGLPGAKGLT[Gly542Arg]SPGSPGPDGK